The following is an entry in ClinVar:

NM_022051.3(EGLN1):c.960T>A (p.Asp320Glu)

Gene: EGLN1 (egl-9 family hypoxia inducible factor 1; minus strand). Cytogenetic location: 1q42.2.
Variant type: single nucleotide variant.
Coding change: c.960T>A on transcript NM_022051.3 (MANE Select); coding-DNA position 960, T replaced by A.
Protein change: p.Asp320Glu; replaces aspartic acid 320 with glutamic acid.
Molecular consequence: missense variant.
Genome position (GRCh38, 1-based): chr1:231,374,031, A>T on the plus strand (T>A on the coding strand, the complement: EGLN1 is on the minus strand). VCF-style: chr1-231374031-A-T. GRCh37 (hg19) VCF-style: chr1-231509777-A-T.
Other names: c.960T>A, p.Asp320Glu (NM_001377260.1, NM_001377261.1); short protein forms D320E.
Identifiers: ClinVar variation 4870311 (VCV004870311.1).

ClinVar aggregate classification (germline): Uncertain significance (1 of 4 stars; one submission).

Submission:

Ambry Genetics
Classification: Uncertain significance. Last evaluated: 2026-03-27. Review status: criteria provided, single submitter. Criteria: Ambry Variant Classification Scheme 2023. Collection method: clinical testing. Allele origin: germline.
Comment: The p.D320E variant (also known as c.960T>A), located in coding exon 2 of the EGLN1 gene, results from a T to A substitution at nucleotide position 960. The aspartic acid at codon 320 is replaced by glutamic acid, an amino acid with highly similar properties. This amino acid position is conserved. In addition, the in silico prediction for this alteration is inconclusive. Based on the available evidence, the clinical significance of this variant remains unclear.